The following is an entry in ClinVar:

NM_145290.4(ADGRA3):c.2240C>T (p.Thr747Met)

Gene: ADGRA3 (adhesion G protein-coupled receptor A3; minus strand). Cytogenetic location: 4p15.2.
Variant type: single nucleotide variant.
Coding change: c.2240C>T on transcript NM_145290.4 (MANE Select); coding-DNA position 2240, C replaced by T.
Protein change: p.Thr747Met; replaces threonine 747 with methionine.
Molecular consequence: missense variant.
Genome position (GRCh38, 1-based): chr4:22,402,792, G>A on the plus strand (C>T on the coding strand, the complement: ADGRA3 is on the minus strand). VCF-style: chr4-22402792-G-A. GRCh37 (hg19) VCF-style: chr4-22404415-G-A.
Other names: c.2240C>T (NM_145290.2); short protein forms T747M.
Identifiers: ClinVar variation 857632 (VCV000857632.10), dbSNP rs767983432, ClinGen allele CA2873692.

ClinVar aggregate classification (germline): Uncertain significance. Review status: criteria provided, multiple submitters, no conflicts (2 of 4 stars). 2 submissions from 2 submitters: Uncertain significance (2). Last evaluated 2026-01-12.

Allele frequency attached by ClinVar (database versions not stated): gnomAD exomes 0.00002 and 0.00007; gnomAD 0.00004 and 0.00005; ExAC 0.00009; TOPMed 0.00009.
gnomAD v4.1: 39 of 1,608,710 alleles (0.0024%); highest among the groups gnomAD compares: Admixed American, 0.015%; no homozygotes.

Submissions (2):

Labcorp Genetics (formerly Invitae), Labcorp
Classification: Uncertain significance. Last evaluated: 2026-01-12. Review status: criteria provided, single submitter. Criteria: Invitae Variant Classification Sherloc (09022015). Collection method: clinical testing. Allele origin: germline.
Comment: This sequence change replaces threonine, which is neutral and polar, with methionine, which is neutral and non-polar, at codon 747 of the ADGRA3 protein (p.Thr747Met). This variant is present in population databases (rs767983432, gnomAD 0.03%). This variant has not been reported in the literature in individuals affected with ADGRA3-related conditions. ClinVar contains an entry for this variant (Variation ID: 857632). An algorithm developed to predict the effect of missense changes on protein structure and function (PolyPhen-2) suggests that this variant is likely to be disruptive. In summary, the available evidence is currently insufficient to determine the role of this variant in disease. Therefore, it has been classified as a Variant of Uncertain Significance.

Ambry Genetics
Classification: Uncertain significance. Last evaluated: 2025-08-21. Review status: criteria provided, single submitter. Criteria: Ambry Variant Classification Scheme 2023. Collection method: clinical testing. Allele origin: germline.